The following is an entry in ClinVar:

ClinVar aggregate classification (germline): Pathogenic (1 of 4 stars; one submission).

Submission:

Labcorp Genetics (formerly Invitae), Labcorp
Classification: Pathogenic. Last evaluated: 2023-04-06. Review status: criteria provided, single submitter. Criteria: Invitae Variant Classification Sherloc (09022015). Collection method: clinical testing. Allele origin: germline.
Comment: This variant has not been reported in the literature in individuals affected with OTOA-related conditions. This sequence change creates a premature translational stop signal (p.Gln169Argfs*3) in the OTOA gene. It is expected to result in an absent or disrupted protein product. Loss-of-function variants in OTOA are known to be pathogenic (PMID: 11972037). This variant is not present in population databases (gnomAD no frequency). For these reasons, this variant has been classified as Pathogenic.

Literature cited by the submitters: PubMed 11972037.

NM_144672.4(OTOA):c.505del (p.Gln169fs)

Gene: OTOA (otoancorin). Cytogenetic location: 16p12.2.
Variant type: Deletion.
Coding change: c.505del on transcript NM_144672.4 (MANE Select); coding-DNA position 505, one base deleted.
Protein change: p.Gln169fs; shifts the reading frame from glutamine 169.
Molecular consequence: frameshift variant.
Genome position: GRCh38 VCF-style: chr16-21687516-TC-T. GRCh37 (hg19) VCF-style: chr16-21698837-TC-T.
Other names: c.268del, p.Gln90fs (NM_001161683.2); short protein forms Q169fs, Q90fs.
Identifiers: ClinVar variation 2852478 (VCV002852478.3), dbSNP rs2506971137, ClinGen allele CA2739266646.
Genomic context (GRCh38, chr16:21,687,516, plus strand): 5'-GAGCCTTGCAGAGCCCTGGCGTGAACCGCAGCCTGTTTCTCATCACACTGGAGAGGTGTT[TC>T]CAGATGCTGAACTCCCTGGAGTGTGTGGAGATCCTGGGCAAGGTGCTGAGGGGGTCCTCA-3'